The following is an entry in ClinVar:

ClinVar aggregate classification (germline): Uncertain significance (1 of 4 stars; one submission).

Submission:

GeneDx
Classification: Uncertain significance. Last evaluated: 2022-02-01. Review status: criteria provided, single submitter. Criteria: GeneDx Variant Classification Process June 2021. Collection method: clinical testing. Allele origin: germline. Affected: yes.
Comment: Not observed at significant frequency in large population cohorts (gnomAD); In silico analysis supports that this missense variant has a deleterious effect on protein structure/function; Has not been previously published as pathogenic or benign to our knowledge

NM_001330311.2(DVL1):c.1345G>A (p.Asp449Asn)

Gene: DVL1 (dishevelled segment polarity protein 1; minus strand). Cytogenetic location: 1p36.33.
Variant type: single nucleotide variant.
Coding change: c.1345G>A on transcript NM_001330311.2 (MANE Select); coding-DNA position 1345, G replaced by A.
Protein change: p.Asp449Asn; replaces aspartic acid 449 with asparagine.
Molecular consequence: missense variant.
Genome position (GRCh38, 1-based): chr1:1,338,431, C>T on the plus strand (G>A on the coding strand, the complement: DVL1 is on the minus strand). VCF-style: chr1-1338431-C-T. GRCh37 (hg19) VCF-style: chr1-1273811-C-T.
Other names: c.1270G>A, p.Asp424Asn (NM_004421.3); short protein forms D424N, D449N.
Identifiers: ClinVar variation 1699698 (VCV001699698.2), dbSNP rs2100718962, ClinGen allele CA337862983.